The following is an entry in ClinVar:

ClinVar aggregate classification (germline): Uncertain significance (1 of 4 stars; one submission).

Submission:

GeneDx
Classification: Uncertain significance. Last evaluated: 2024-05-17. Review status: criteria provided, single submitter. Criteria: GeneDx Variant Classification Process June 2021. Collection method: clinical testing. Allele origin: germline. Affected: yes.
Comment: Not observed at significant frequency in large population cohorts (gnomAD); In silico analysis supports that this missense variant has a deleterious effect on protein structure/function; Has not been previously published as pathogenic or benign to our knowledge

NM_001372044.2(SHANK3):c.4424C>T (p.Ala1475Val)

Gene: SHANK3 (SH3 and multiple ankyrin repeat domains 3; plus strand). Cytogenetic location: 22q13.33.
Variant type: single nucleotide variant.
Coding change: c.4424C>T on transcript NM_001372044.2 (MANE Select); coding-DNA position 4424, C replaced by T.
Protein change: p.Ala1475Val; replaces alanine 1475 with valine.
Molecular consequence: missense variant.
Genome position (GRCh38, 1-based): chr22:50,722,032, C>T. VCF-style: chr22-50722032-C-T. GRCh37 (hg19) VCF-style: chr22-51160460-C-T.
Other names: c.4199C>T (NM_033517.1); short protein forms A1475V.
Identifiers: ClinVar variation 3377944 (VCV003377944.1).